The following is an entry in ClinVar:

NM_152564.5(VPS13B):c.3769G>C (p.Ala1257Pro)

Gene: VPS13B (vacuolar protein sorting 13 homolog B; plus strand). Cytogenetic location: 8q22.2.
Variant type: single nucleotide variant.
Coding change: c.3769G>C on transcript NM_152564.5 (MANE Select); coding-DNA position 3769, G replaced by C.
Protein change: p.Ala1257Pro; replaces alanine 1257 with proline.
Molecular consequence: missense variant.
Genome position (GRCh38, 1-based): chr8:99,481,701, G>C. VCF-style: chr8-99481701-G-C. GRCh37 (hg19) VCF-style: chr8-100493929-G-C.
Other names: c.3769G>C, p.Ala1257Pro (NM_017890.5); c.3769G>C (NM_017890.3); short protein forms A1257P.
Identifiers: ClinVar variation 1349108 (VCV001349108.8), dbSNP rs1437011084, ClinGen allele CA371866859.

ClinVar aggregate classification (germline): Uncertain significance. Review status: criteria provided, multiple submitters, no conflicts (2 of 4 stars). 2 submissions from 2 submitters: Uncertain significance (2). Last evaluated 2024-08-05.

Conditions:
Inborn genetic diseases. Identifiers: MedGen C0950123, MeSH D030342.
Cohen syndrome (COH1). Also called: Cutis verticis gyrata, retinitis pigmentosa, and sensorineural deafness; PEPPER SYNDROME. Identifiers: Orphanet 193, MedGen C0265223, MONDO:0008999, OMIM 216550.

Allele frequency attached by ClinVar (database versions not stated): gnomAD exomes below 0.00001 and 0.00001.
gnomAD v4.1: 3 of 1,613,992 alleles (0.00019%); highest among the groups gnomAD compares: East Asian, 0.0067%; no homozygotes.

Submissions (2):

Labcorp Genetics (formerly Invitae), Labcorp
Classification: Uncertain significance for Cohen syndrome. Last evaluated: 2024-08-05. Review status: criteria provided, single submitter. Criteria: Invitae Variant Classification Sherloc (09022015). Collection method: clinical testing. Allele origin: germline.
Comment: This sequence change replaces alanine, which is neutral and non-polar, with proline, which is neutral and non-polar, at codon 1257 of the VPS13B protein (p.Ala1257Pro). This variant is present in population databases (no rsID available, gnomAD 0.01%). This variant has not been reported in the literature in individuals affected with VPS13B-related conditions. ClinVar contains an entry for this variant (Variation ID: 1349108). Advanced modeling of protein sequence and biophysical properties (such as structural, functional, and spatial information, amino acid conservation, physicochemical variation, residue mobility, and thermodynamic stability) performed at Invitae indicates that this missense variant is not expected to disrupt VPS13B protein function with a negative predictive value of 80%. In summary, the available evidence is currently insufficient to determine the role of this variant in disease. Therefore, it has been classified as a Variant of Uncertain Significance.

Ambry Genetics
Classification: Uncertain significance for Inborn genetic diseases. Last evaluated: 2023-08-22. Review status: criteria provided, single submitter. Criteria: Ambry Variant Classification Scheme 2023. Collection method: clinical testing. Allele origin: germline.